The following is an entry in ClinVar:

NM_000051.4(ATM):c.7211A>G (p.Tyr2404Cys)

Genes: ATM (ATM serine/threonine kinase; plus strand), C11orf65 (chromosome 11 open reading frame 65; minus strand). Cytogenetic location: 11q22.3.
Variant type: single nucleotide variant.
Coding change: c.7211A>G on transcript NM_000051.4 (MANE Select); coding-DNA position 7211, A replaced by G.
Protein change: p.Tyr2404Cys; replaces tyrosine 2404 with cysteine.
Molecular consequence: missense variant. On other transcripts: intron variant (2).
Genome position (GRCh38, 1-based): chr11:108,329,142, A>G. VCF-style: chr11-108329142-A-G. GRCh37 (hg19) VCF-style: chr11-108199869-A-G.
Other names: c.7211A>G, p.Tyr2404Cys (NM_001351834.2); c.641-20071T>C (NM_001330368.2); c.*38+6078T>C (NM_001351110.2); short protein forms Y2404C.
Identifiers: ClinVar variation 419765 (VCV000419765.11), dbSNP rs1064794093, ClinGen allele CA16619228.
Genomic context (GRCh38, chr11:108,329,142, plus strand): 5'-TGAAGGCATTTCTCTCATTAGCCCGGTTTTCAGATACTCAATACCAAAGAATTGAAAACT[A>G]CATGAAATCATCGGAATTTGAAAACAAGCAAGCTCTCCTGAAAAGAGCCAAAGAGGAAGT-3'
Protein context (NP_000042.3, residues 2394-2414): SDTQYQRIEN[Tyr2404Cys]MKSSEFENKQ

ClinVar aggregate classification (germline): Uncertain significance. Review status: criteria provided, multiple submitters, no conflicts (2 of 4 stars). 3 submissions from 3 submitters: Uncertain significance (3). Last evaluated 2024-11-06.

Conditions:
Hereditary cancer-predisposing syndrome. Also called: Neoplastic Syndromes, Hereditary; Hereditary Cancer Syndrome; Tumor predisposition; Hereditary neoplastic syndrome. Identifiers: Orphanet 140162, MedGen C0027672, MeSH D009386, MONDO:0015356.
Ataxia-telangiectasia syndrome (AT). Also called: LOUIS-BAR SYNDROME; Cerebello-oculocutaneous telangiectasia; Immunodeficiency with ataxia telangiectasia; Ataxia-telangiectasia, complementation group D; AT, COMPLEMENTATION GROUP C; Ataxia-telangiectasia, complementation group E. Identifiers: Orphanet 100, MedGen C0004135, MONDO:0008840, OMIM 208900.

Submissions (3):

Labcorp Genetics (formerly Invitae), Labcorp
Classification: Uncertain significance for Ataxia-telangiectasia syndrome. Last evaluated: 2024-11-06. Review status: criteria provided, single submitter. Criteria: Invitae Variant Classification Sherloc (09022015). Collection method: clinical testing. Allele origin: germline.
Comment: This sequence change replaces tyrosine, which is neutral and polar, with cysteine, which is neutral and slightly polar, at codon 2404 of the ATM protein (p.Tyr2404Cys). This variant is not present in population databases (gnomAD no frequency). This variant has not been reported in the literature in individuals affected with ATM-related conditions. ClinVar contains an entry for this variant (Variation ID: 419765). Invitae Evidence Modeling of protein sequence and biophysical properties (such as structural, functional, and spatial information, amino acid conservation, physicochemical variation, residue mobility, and thermodynamic stability) indicates that this missense variant is expected to disrupt ATM protein function with a positive predictive value of 95%. In summary, the available evidence is currently insufficient to determine the role of this variant in disease. Therefore, it has been classified as a Variant of Uncertain Significance.

Ambry Genetics
Classification: Uncertain significance for Hereditary cancer-predisposing syndrome. Last evaluated: 2020-11-24. Review status: criteria provided, single submitter. Criteria: Ambry Variant Classification Scheme 2023. Collection method: clinical testing. Allele origin: germline.
Comment: The p.Y2404C variant (also known as c.7211A>G), located in coding exon 48 of the ATM gene, results from an A to G substitution at nucleotide position 7211. The tyrosine at codon 2404 is replaced by cysteine, an amino acid with highly dissimilar properties. This amino acid position is highly conserved in available vertebrate species. In addition, this alteration is predicted to be deleterious by in silico analysis. Since supporting evidence is limited at this time, the clinical significance of this alteration remains unclear.

GeneDx
Classification: Uncertain significance. Last evaluated: 2015-08-25. Review status: criteria provided, single submitter. Criteria: GeneDx Variant Classification (06012015). Collection method: clinical testing. Allele origin: germline. Affected: yes.
Comment: This variant is denoted ATM c.7211A>G at the cDNA level, p.Tyr2404Cys (Y2404C) at the protein level, and results in the change of a Tyrosine to a Cysteine (TAC>TGC). This variant has not, to our knowledge, been published in the literature as pathogenic or benign. ATM Tyr2404Cys was not observed in approximately 6,500 individuals of European and African American ancestry in the NHLBI Exome Sequencing Project, indicating it is not a common benign variant in these populations. Since Tyrosine and Cysteine differ in polarity, charge, size or other properties, this is considered a non-conservative amino acid substitution. ATM Tyr2404Cys occurs at a position that is conserved across species and is located in the FAT domain (Stracker 2013). In silico analyses predict that this variant is probably damaging to protein structure and function. Based on currently available information, it is unclear whether ATM Tyr2404Cys is pathogenic or benign. We consider it to be a variant of uncertain significance.